The following is an entry in ClinVar:

ClinVar aggregate classification (germline): Pathogenic. Review status: criteria provided, multiple submitters, no conflicts (2 of 4 stars). 2 submissions from 2 submitters: Pathogenic (2). Last evaluated 2024-10-17.

Conditions:
Autosomal recessive spinocerebellar ataxia 10. Identifiers: Orphanet 284289, MedGen C3150998, MONDO:0013392, OMIM 613728.

Submissions (2):

Myriad Genetics, Inc.
Classification: Pathogenic for Autosomal recessive spinocerebellar ataxia 10. Last evaluated: 2024-10-17. Review status: criteria provided, single submitter. Criteria: Myriad Autosomal Dominant, Autosomal Recessive and X-Linked Classification Criteria (2023). Collection method: clinical testing. Allele origin: unknown.
Comment: NM_018075.3(ANO10):c.1646C>G(S549*) is expected to be pathogenic in the context of spinocerebellar ataxia, ANO10-related. This variant is predicted to lead to an abnormal or absent protein product due to the creation of a premature termination codon in ANO10, a gene where loss-of-function variants are known to be pathogenic. Please note: this variant was assessed in the context of healthy population screening.

Labcorp Genetics (formerly Invitae), Labcorp
Classification: Pathogenic. Last evaluated: 2023-07-06. Review status: criteria provided, single submitter. Criteria: Invitae Variant Classification Sherloc (09022015). Collection method: clinical testing. Allele origin: germline.
Comment: For these reasons, this variant has been classified as Pathogenic. This variant has not been reported in the literature in individuals affected with ANO10-related conditions. This variant is not present in population databases (gnomAD no frequency). This sequence change creates a premature translational stop signal (p.Ser549*) in the ANO10 gene. It is expected to result in an absent or disrupted protein product. Loss-of-function variants in ANO10 are known to be pathogenic (PMID: 25089919).

Literature cited by the submitters: PubMed 25089919 (cited by Labcorp Genetics (formerly Invitae), Labcorp).

NM_018075.5(ANO10):c.1646C>G (p.Ser549Ter)

Gene: ANO10 (anoctamin 10; minus strand). Cytogenetic location: 3p22.1.
Variant type: single nucleotide variant.
Coding change: c.1646C>G on transcript NM_018075.5 (MANE Select); coding-DNA position 1646, C replaced by G.
Protein change: p.Ser549Ter; replaces serine 549 with a stop codon.
Molecular consequence: nonsense.
Genome position (GRCh38, 1-based): chr3:43,555,300, G>C on the plus strand (C>G on the coding strand, the complement: ANO10 is on the minus strand). VCF-style: chr3-43555300-G-C. GRCh37 (hg19) VCF-style: chr3-43596792-G-C.
Other names: c.1646C>G, p.Ser549Ter (NM_001204831.3, NM_001346463.2, NM_001346464.2 and 3 more transcripts); c.1448C>G, p.Ser483Ter (NM_001204832.3, NM_001346466.2, NM_001346469.2); c.1313C>G, p.Ser438Ter (NM_001204833.3); c.1076C>G, p.Ser359Ter (NM_001204834.3); short protein forms S359*, S483*, S549*, S438*.
Identifiers: ClinVar variation 2858109 (VCV002858109.4), dbSNP rs2529009538, ClinGen allele CA352341858.